The following is an entry in ClinVar:

NM_032620.4(GTPBP3):c.295T>C (p.Phe99Leu)

Gene: GTPBP3 (GTP binding protein 3, mitochondrial; plus strand). Cytogenetic location: 19p13.11.
Variant type: single nucleotide variant.
Coding change: c.295T>C on transcript NM_032620.4 (MANE Select); coding-DNA position 295, T replaced by C.
Protein change: p.Phe99Leu; replaces phenylalanine 99 with leucine.
Molecular consequence: missense variant.
Genome position (GRCh38, 1-based): chr19:17,338,249, T>C. VCF-style: chr19-17338249-T-C. GRCh37 (hg19) VCF-style: chr19-17449058-T-C.
Other names: p.Phe99Leu; c.295T>C, p.Phe99Leu (NM_001128855.3, NM_133644.4); c.361T>C, p.Phe121Leu (NM_001195422.1); short protein forms F121L, F99L.
Identifiers: ClinVar variation 4880188 (VCV004880188.1).
Genomic context (GRCh38, chr19:17,338,249, plus strand): 5'-CTGCGCCTGCTCAGCGATCCCCGCTCCGGGGAGCCTCTGGACCGCGCACTGGTGCTCTGG[T>C]TCCCAGGTGAGGGTCCCCAGGTTCCGAGCCTCCTGTAGGTCCCATGACTCAGTTTCCCCC-3'
Protein context (NP_116009.2, residues 89-109): EPLDRALVLW[Phe99Leu]PGPQSFTGED

ClinVar aggregate classification (germline): Uncertain significance (1 of 4 stars; one submission).

Conditions:
Combined oxidative phosphorylation defect type 23. Also called: Combined oxidative phosphorylation deficiency 23. Identifiers: Orphanet 444013, MedGen C5567743, MONDO:0014525, OMIM 616198.

gnomAD v4.1: 12 of 1,590,744 alleles (0.00075%); highest among the groups gnomAD compares: South Asian, 0.013%; no homozygotes.

Submission:

Foundation for Research in Genetics and Endocrinology, FRIGE's Institute of Human Genetics
Classification: Uncertain significance for Combined oxidative phosphorylation defect type 23. Last evaluated: 2026-05-15. Review status: criteria provided, single submitter. Criteria: ACMG Guidelines, 2015. Collection method: clinical testing. Allele origin: germline. Inheritance: Autosomal recessive inheritance. Affected: yes. Observed: 1 variant allele, 1 homozygote.
Comment: A homozygous variant c.295T>C (p.Phe99Leu) in exon 2 of the GTPBP3 gene was detected. This variant results in the substitution of phenylalanine by leucine at codon 99. This variant has a minor allele frequency of 0.003% in the gnomAD database. The insilico prediction of the variant is damaging by LRT, Mutation Assessor, Mutation Taster and SIFT. In summary, the variant meets our criteria to be classified as variant of uncertain significance.